The following is an entry in ClinVar:

NM_001040142.2(SCN2A):c.3123G>T (p.Pro1041=)

Gene: SCN2A (sodium voltage-gated channel alpha subunit 2; plus strand). Cytogenetic location: 2q24.3.
Variant type: single nucleotide variant.
Coding change: c.3123G>T on transcript NM_001040142.2 (MANE Select); coding-DNA position 3123, G replaced by T.
Protein change: p.Pro1041=; no amino-acid change (proline 1041 retained).
Molecular consequence: synonymous variant.
Genome position (GRCh38, 1-based): chr2:165,354,395, G>T. VCF-style: chr2-165354395-G-T. GRCh37 (hg19) VCF-style: chr2-166210905-G-T.
Other names: c.3123G>T, p.Pro1041= (NM_001040143.2, NM_001371246.1, NM_001371247.1 and 1 more transcripts).
Identifiers: ClinVar variation 766220 (VCV000766220.25), dbSNP rs147576541, ClinGen allele CA1940062.
Genomic context (GRCh38, chr2:165,354,395, plus strand): 5'-ACGTGAATTTATTCAGAAAGCCTTTGTTAGGAAGCAGAAAGCTTTAGATGAAATTAAACC[G>T]CTTGAAGATCTAAATAATAAAAAAGACAGCTGTATTTCCAACCATACCACCATAGAAATA-3'
Protein context (NP_001035232.1, residues 1031-1051): RKQKALDEIK[Pro1041=]LEDLNNKKDS

ClinVar aggregate classification (germline): Likely benign. Review status: criteria provided, multiple submitters, no conflicts (2 of 4 stars). 3 submissions from 3 submitters: Likely benign (3). Last evaluated 2026-08-01.

Conditions:
Seizures, benign familial infantile, 3 (BFIS3). Also called: CONVULSIONS, BENIGN FAMILIAL INFANTILE, 3; Familial neonatal seizures. Identifiers: Orphanet 140927, Orphanet 306, MedGen C1843140, MONDO:0011904, OMIM 607745.
Developmental and epileptic encephalopathy, 11 (DEE11). Also called: Early infantile epileptic encephalopathy 11. Identifiers: Orphanet 1934, MedGen C3150987, MONDO:0013388, OMIM 613721.
SCN2A-related disorder. Also called: SCN2A-related condition; SCN2A-related disorders. Identifiers: MedGen CN382226, MONDO:1060245.

Allele frequency attached by ClinVar (database versions not stated): TOPMed 0.00001.
gnomAD v4.1: 8 of 1,613,782 alleles (0.0005%); highest among the groups gnomAD compares: Admixed American, 0.0033%; no homozygotes.

Submissions (3):

CeGaT Center for Human Genetics Tuebingen
Classification: Likely benign. Last evaluated: 2026-08-01. Review status: criteria provided, single submitter. Criteria: CeGaT Center For Human Genetics Tuebingen Variant Classification Criteria Version 2. Collection method: clinical testing. Allele origin: germline. Affected: yes. Observed: 2 variant alleles.
Comment: SCN2A: BP4, BP7

PreventionGenetics, part of Exact Sciences
Classification: Likely benign for SCN2A-related condition. Last evaluated: 2025-04-17. Review status: criteria provided, single submitter. Criteria: ACMG Guidelines, 2015. Collection method: clinical testing. Allele origin: germline.
Comment: This variant is classified as likely benign based on ACMG/AMP sequence variant interpretation guidelines (Richards et al. 2015 PMID: 25741868, with internal and published modifications).

Labcorp Genetics (formerly Invitae), Labcorp
Classification: Likely benign for Seizures, benign familial infantile, 3; Developmental and epileptic encephalopathy, 11. Last evaluated: 2025-03-10. Review status: criteria provided, single submitter. Criteria: Invitae Variant Classification Sherloc (09022015). Collection method: clinical testing. Allele origin: germline.